The following is an entry in ClinVar:

ClinVar aggregate classification (germline): Uncertain significance. Review status: criteria provided, multiple submitters, no conflicts (2 of 4 stars). 2 submissions from 2 submitters: Uncertain significance (2). Last evaluated 2024-07-14.

Allele frequency attached by ClinVar (database versions not stated): gnomAD 0.00001; TOPMed 0.00001; ExAC 0.00002; gnomAD exomes 0.00003.
gnomAD v4.1: 42 of 1,613,976 alleles (0.0026%); highest among the groups gnomAD compares: Non-Finnish European, 0.0034%; no homozygotes.

Submissions (2):

Ambry Genetics
Classification: Uncertain significance. Last evaluated: 2024-07-14. Review status: criteria provided, single submitter. Criteria: Ambry Variant Classification Scheme 2023. Collection method: clinical testing. Allele origin: germline.

Labcorp Genetics (formerly Invitae), Labcorp
Classification: Uncertain significance. Last evaluated: 2022-10-01. Review status: criteria provided, single submitter. Criteria: Invitae Variant Classification Sherloc (09022015). Collection method: clinical testing. Allele origin: germline.
Comment: This sequence change replaces aspartic acid, which is acidic and polar, with asparagine, which is neutral and polar, at codon 1019 of the SBF1 protein (p.Asp1019Asn). This variant is present in population databases (rs752890228, gnomAD 0.002%). This variant has not been reported in the literature in individuals affected with SBF1-related conditions. Advanced modeling of protein sequence and biophysical properties (such as structural, functional, and spatial information, amino acid conservation, physicochemical variation, residue mobility, and thermodynamic stability) performed at Invitae indicates that this missense variant is not expected to disrupt SBF1 protein function. In summary, the available evidence is currently insufficient to determine the role of this variant in disease. Therefore, it has been classified as a Variant of Uncertain Significance.

NM_002972.4(SBF1):c.3055G>A (p.Asp1019Asn)

Gene: SBF1 (SET binding factor 1; minus strand). Cytogenetic location: 22q13.33.
Variant type: single nucleotide variant.
Coding change: c.3055G>A on transcript NM_002972.4 (MANE Select); coding-DNA position 3055, G replaced by A.
Protein change: p.Asp1019Asn; replaces aspartic acid 1019 with asparagine.
Molecular consequence: missense variant.
Genome position (GRCh38, 1-based): chr22:50,460,625, C>T on the plus strand (G>A on the coding strand, the complement: SBF1 is on the minus strand). VCF-style: chr22-50460625-C-T. GRCh37 (hg19) VCF-style: chr22-50899054-C-T.
Other names: c.3058G>A, p.Asp1020Asn (NM_001365819.1, NM_001410794.1); c.3055G>A, p.Asp1019Asn (NM_001410795.1, NM_197971.1); c.3055G>A (NM_002972.2); short protein forms D1019N, D1020N.
Identifiers: ClinVar variation 1950060 (VCV001950060.3), dbSNP rs752890228, ClinGen allele CA10316901.
Genomic context (GRCh38, chr22:50,460,625, plus strand): 5'-GCGGTGGCCGGCCAGGTGTGTGGGCAGAGCCCAAGGTGAACGCAAAGGTGGCCCTGATGT[C>T]CGGCGGGTACCGCAGCTTATGCAGCTGCTTACGGAAGAGCTCGGCGCTGTCAGACCCCAC-3'
Protein context (NP_002963.2, residues 1009-1029): KQLHKLRYPP[Asp1019Asn]IRATFAFTLG